The following is an entry in ClinVar:

ClinVar aggregate classification (germline): Pathogenic/Likely pathogenic. Review status: criteria provided, multiple submitters, no conflicts (2 of 4 stars). 2 submissions from 2 submitters: Pathogenic (1); Likely pathogenic (1). Last evaluated 2023-06-21.

Conditions:
Spastic paraplegia. Identifiers: MedGen C0037772, HP:0001258.

Submissions (2):

GeneDx
Classification: Pathogenic. Last evaluated: 2023-06-21. Review status: criteria provided, single submitter. Criteria: GeneDx Variant Classification Process June 2021. Collection method: clinical testing. Allele origin: germline. Affected: yes.
Comment: Canonical splice site variant predicted to result in a null allele in a gene for which loss of function is a known mechanism of disease; Not observed at significant frequency in large population cohorts (gnomAD); This variant is associated with the following publications: (PMID: 25525159, 17328266)

Labcorp Genetics (formerly Invitae), Labcorp
Classification: Likely pathogenic for Spastic paraplegia. Last evaluated: 2023-02-07. Review status: criteria provided, single submitter. Criteria: Invitae Variant Classification Sherloc (09022015). Collection method: clinical testing. Allele origin: germline.
Comment: Algorithms developed to predict the effect of sequence changes on RNA splicing suggest that this variant may disrupt the consensus splice site. In summary, the currently available evidence indicates that the variant is pathogenic, but additional data are needed to prove that conclusively. Therefore, this variant has been classified as Likely Pathogenic. Disruption of this splice site has been observed in individual(s) with L1CAM-related conditions (PMID: 17328266). This variant is not present in population databases (gnomAD no frequency). This sequence change affects an acceptor splice site in intron 2 of the L1CAM gene. It is expected to disrupt RNA splicing. Variants that disrupt the donor or acceptor splice site typically lead to a loss of protein function (PMID: 16199547), and loss-of-function variants in L1CAM are known to be pathogenic (PMID: 19846429).

Literature cited by the submitters: PubMed 17328266 (cited by Labcorp Genetics (formerly Invitae), Labcorp); PubMed 16199547 (cited by Labcorp Genetics (formerly Invitae), Labcorp); PubMed 19846429 (cited by Labcorp Genetics (formerly Invitae), Labcorp).

NM_001278116.2(L1CAM):c.92-1G>A

Gene: L1CAM (L1 cell adhesion molecule; minus strand). Cytogenetic location: Xq28.
Variant type: single nucleotide variant.
Coding change: c.92-1G>A on transcript NM_001278116.2 (MANE Select); the canonical splice acceptor site of the intron before coding-DNA position 92, G replaced by A.
Molecular consequence: splice acceptor variant.
Genome position (GRCh38, 1-based): chrX:153,872,698, C>T on the plus strand (G>A on the coding strand, the complement: L1CAM is on the minus strand). VCF-style: chrX-153872698-C-T. GRCh37 (hg19) VCF-style: chrX-153138153-C-T.
Other names: c.77-1G>A (NM_001143963.2); c.92-1G>A (NM_024003.3, NM_000425.5).
Identifiers: ClinVar variation 2737424 (VCV002737424.4), dbSNP rs2521039402, ClinGen allele CA415140870.
Genomic context (GRCh38, chrX:153,872,698, plus strand): 5'-CTGTGGGGAAGACAACCAGGCGCCGTGGAGACTGTTCCGTGATGACAGGTGGCTCCATCA[C>T]TGAAGACAGGGTGGAGAGAGCGGTGGTGAGGGTGCTGCCTGGCTGGTGTCATAGCCTCAG-3'